The following is an entry in ClinVar:

NM_005076.5(CNTN2):c.1837G>A (p.Gly613Ser)

Gene: CNTN2 (contactin 2; plus strand). Cytogenetic location: 1q32.1.
Variant type: single nucleotide variant.
Coding change: c.1837G>A on transcript NM_005076.5 (MANE Select); coding-DNA position 1837, G replaced by A.
Protein change: p.Gly613Ser; replaces glycine 613 with serine.
Molecular consequence: missense variant. On other transcripts: non-coding transcript variant (1).
Genome position (GRCh38, 1-based): chr1:205,066,461, G>A. VCF-style: chr1-205066461-G-A. GRCh37 (hg19) VCF-style: chr1-205035589-G-A.
Other names: c.1837G>A, p.Gly613Ser (NM_001346083.2); short protein forms G613S.
Identifiers: ClinVar variation 1015489 (VCV001015489.8), dbSNP rs1654294617, ClinGen allele CA344376172.

ClinVar aggregate classification (germline): Uncertain significance (1 of 4 stars; one submission).

Conditions:
Epilepsy, familial adult myoclonic, 5 (EPEO5). Also called: CORTICAL MYOCLONIC TREMOR WITH EPILEPSY, FAMILIAL, 5. Identifiers: Orphanet 86814, MedGen C3809374, MONDO:0014167, OMIM 615400.

Submission:

Labcorp Genetics (formerly Invitae), Labcorp
Classification: Uncertain significance for Epilepsy, familial adult myoclonic, 5. Last evaluated: 2020-10-08. Review status: criteria provided, single submitter. Criteria: Invitae Variant Classification Sherloc (09022015). Collection method: clinical testing. Allele origin: germline.
Comment: Advanced modeling of protein sequence and biophysical properties (such as structural, functional, and spatial information, amino acid conservation, physicochemical variation, residue mobility, and thermodynamic stability) performed at Invitae indicates that this missense variant is not expected to disrupt CNTN2 protein function. In summary, the available evidence is currently insufficient to determine the role of this variant in disease. Therefore, it has been classified as a Variant of Uncertain Significance. This variant has not been reported in the literature in individuals with CNTN2-related conditions. This sequence change replaces glycine with serine at codon 613 of the CNTN2 protein (p.Gly613Ser). The glycine residue is highly conserved and there is a small physicochemical difference between glycine and serine. This variant is not present in population databases (ExAC no frequency).